The following is an entry in ClinVar:

ClinVar aggregate classification (germline): Uncertain significance (1 of 4 stars; one submission).

Conditions:
Autism spectrum disorder due to AUTS2 deficiency (MRD26). Also called: INTELLECTUAL DEVELOPMENTAL DISORDER, AUTOSOMAL DOMINANT 26. Identifiers: Orphanet 352490, MedGen C4014435, MONDO:0014361, OMIM 615834.

Allele frequency attached by ClinVar (database versions not stated): gnomAD exomes 0.00001.
gnomAD v4.1: 8 of 1,613,484 alleles (0.0005%); highest among the groups gnomAD compares: Non-Finnish European, 0.00068%; no homozygotes.

Submission:

Victorian Clinical Genetics Services, Murdoch Childrens Research Institute
Classification: Uncertain significance for Autism spectrum disorder due to AUTS2 deficiency. Last evaluated: 2020-05-21. Review status: criteria provided, single submitter. Criteria: ACMG Guidelines, 2015. Collection method: clinical testing. Allele origin: germline. Inheritance: Autosomal dominant inheritance. Affected: yes.
Comment: Based on the classification scheme VCGS_Germline_v1.1.1, this variant is classified as 3C - VUS. Following criteria are met: 0102 - Loss-of-function is a known mechanism of disease for this gene. (N) 0107 - This gene is known to be associated with autosomal dominant disease. (N) 0200 - Variant is predicted to result in a missense amino acid change from threonine to serine. (N) 0251 - Variant is heterozygous. (N) 0302 - Variant is present in gnomAD <0.001 for a dominant condition (1 Heterozygote). (P) 0503 - Missense variant consistently predicted to be tolerated or not conserved in mammals with a minor amino acid change. (B) 0504 - Same amino acid change has been observed in mammals. (B) 0604 - Variant is not located in an established domain, motif, hotspot or informative constraint region. (N) 0705 - No comparable variants have previous evidence for pathogenicity. (N) 0807 - Variant has not previously been reported in a clinical context. (N) 0905 - No segregation evidence has been identified for this variant. (N) 1007 - No published functional evidence has been identified for this variant. (N) 1208 - Inheritance information for this variant is not currently available. (N) Legend: (P) - Pathogenic, (N) - Neutral, (B) - Benign

NM_015570.4(AUTS2):c.293C>G (p.Thr98Ser)

Gene: AUTS2 (activator of transcription and developmental regulator AUTS2; plus strand). Cytogenetic location: 7q11.22.
Variant type: single nucleotide variant.
Coding change: c.293C>G on transcript NM_015570.4 (MANE Select); coding-DNA position 293, C replaced by G.
Protein change: p.Thr98Ser; replaces threonine 98 with serine.
Molecular consequence: missense variant.
Genome position (GRCh38, 1-based): chr7:69,599,946, C>G. VCF-style: chr7-69599946-C-G. GRCh37 (hg19) VCF-style: chr7-69064932-C-G.
Other names: c.293C>G, p.Thr98Ser (NM_001127231.3, NM_001127232.3); short protein forms T98S.
Identifiers: ClinVar variation 1805813 (VCV001805813.1), dbSNP rs1348939816, ClinGen allele CA367703257.
Genomic context (GRCh38, chr7:69,599,946, plus strand): 5'-GAGAGTCCACCTCGGCAGAAGAGGACATCATTGATGGATTTGCCATGACCAGCTTTGTCA[C>G]TTTTGAAGCGCTGGAGGTAAGGGGGACCCCCCTTCCCCCGGGTTCCCTTTATGCACGACC-3'
Protein context (NP_056385.1, residues 88-108): IDGFAMTSFV[Thr98Ser]FEALEKDVAL